The following is an entry in ClinVar:

NM_001009944.3(PKD1):c.11771G>A (p.Arg3924Lys)

Gene: PKD1 (polycystin 1, transient receptor potential channel interacting; minus strand). Cytogenetic location: 16p13.3.
Variant type: single nucleotide variant.
Coding change: c.11771G>A on transcript NM_001009944.3 (MANE Select); coding-DNA position 11771, G replaced by A.
Protein change: p.Arg3924Lys; replaces arginine 3924 with lysine.
Molecular consequence: missense variant.
Genome position (GRCh38, 1-based): chr16:2,091,116, C>T on the plus strand (G>A on the coding strand, the complement: PKD1 is on the minus strand). VCF-style: chr16-2091116-C-T. GRCh37 (hg19) VCF-style: chr16-2141117-C-T.
Other names: p.Arg3924Lys; c.11768G>A, p.Arg3923Lys (NM_000296.4); c.11768G>A (NM_000296.3); short protein forms R3923K, R3924K.
Identifiers: ClinVar variation 3380343 (VCV003380343.2).

ClinVar aggregate classification (germline): Uncertain significance. Review status: criteria provided, multiple submitters, no conflicts (2 of 4 stars). 2 submissions from 2 submitters: Uncertain significance (2). Last evaluated 2025-06-24.

Conditions:
Inborn genetic diseases. Identifiers: MedGen C0950123, MeSH D030342.

gnomAD v4.1: 1 of 1,492,966 alleles (0.000067%); highest among the groups gnomAD compares: Non-Finnish European, 0.000089%; no homozygotes.

Submissions (2):

Ambry Genetics
Classification: Uncertain significance for Inborn genetic diseases. Last evaluated: 2025-06-24. Review status: criteria provided, single submitter. Criteria: Ambry Variant Classification Scheme 2023. Collection method: clinical testing. Allele origin: germline.

Mayo Clinic Laboratories, Mayo Clinic
Classification: Uncertain significance. Last evaluated: 2023-02-13. Review status: criteria provided, single submitter. Criteria: ACMG Guidelines, 2015. Collection method: clinical testing. Allele origin: germline. Observed: 1 variant allele.
Comment: BP4